The following is an entry in ClinVar:

NM_005732.4(RAD50):c.852A>C (p.Lys284Asn)

Gene: RAD50 (RAD50 double strand break repair protein; plus strand). Cytogenetic location: 5q31.1.
Variant type: single nucleotide variant.
Coding change: c.852A>C on transcript NM_005732.4 (MANE Select); coding-DNA position 852, A replaced by C.
Protein change: p.Lys284Asn; replaces lysine 284 with asparagine.
Molecular consequence: missense variant.
Genome position (GRCh38, 1-based): chr5:132,587,657, A>C. VCF-style: chr5-132587657-A-C. GRCh37 (hg19) VCF-style: chr5-131923349-A-C.
Other names: short protein forms K284N.
Identifiers: ClinVar variation 568235 (VCV000568235.1), dbSNP rs753680933, ClinGen allele CA360940434.

ClinVar aggregate classification (germline): Uncertain significance (1 of 4 stars; one submission).

Conditions:
Hereditary cancer-predisposing syndrome. Also called: Neoplastic Syndromes, Hereditary; Tumor predisposition; Hereditary neoplastic syndrome; Hereditary Cancer Syndrome. Identifiers: Orphanet 140162, MedGen C0027672, MeSH D009386, MONDO:0015356.

Submission:

Labcorp Genetics (formerly Invitae), Labcorp
Classification: Uncertain significance for Hereditary cancer-predisposing syndrome. Last evaluated: 2018-06-28. Review status: criteria provided, single submitter. Criteria: Invitae Variant Classification Sherloc (09022015). Collection method: clinical testing. Allele origin: germline.
Comment: This sequence change replaces lysine with asparagine at codon 284 of the RAD50 protein (p.Lys284Asn). The lysine residue is moderately conserved and there is a moderate physicochemical difference between lysine and asparagine. This variant is not present in population databases (ExAC no frequency). This variant has not been reported in the literature in individuals with RAD50-related disease. Algorithms developed to predict the effect of missense changes on protein structure and function (SIFT, PolyPhen-2, Align-GVGD) all suggest that this variant is likely to be tolerated, but these predictions have not been confirmed by published functional studies and their clinical significance is uncertain. In summary, the available evidence is currently insufficient to determine the role of this variant in disease. Therefore, it has been classified as a Variant of Uncertain Significance.